The following is an entry in ClinVar:

NM_003079.5(SMARCE1):c.369+1G>T

Gene: SMARCE1 (SWI/SNF related BAF chromatin remodeling complex subunit E1; minus strand). Cytogenetic location: 17q21.2.
Variant type: single nucleotide variant.
Coding change: c.369+1G>T on transcript NM_003079.5 (MANE Select); the canonical splice donor site of the intron after coding-DNA position 369, G replaced by T.
Molecular consequence: splice donor variant.
Genome position (GRCh38, 1-based): chr17:40,636,394, C>A on the plus strand (G>T on the coding strand, the complement: SMARCE1 is on the minus strand). VCF-style: chr17-40636394-C-A. GRCh37 (hg19) VCF-style: chr17-38792646-C-A.
Identifiers: ClinVar variation 861686 (VCV000861686.8), dbSNP rs2037146593, ClinGen allele CA399366876.

ClinVar aggregate classification (germline): Likely pathogenic (1 of 4 stars; one submission).

Conditions:
Familial meningioma. Also called: Meningioma, familial, susceptibility to. Identifiers: Orphanet 263662, MedGen C3551915, MONDO:0011789, OMIM 607174.

Submission:

Labcorp Genetics (formerly Invitae), Labcorp
Classification: Likely pathogenic for Familial meningioma. Last evaluated: 2019-04-20. Review status: criteria provided, single submitter. Criteria: Invitae Variant Classification Sherloc (09022015). Collection method: clinical testing. Allele origin: germline.
Comment: In summary, the currently available evidence indicates that the variant is pathogenic, but additional data are needed to prove that conclusively. Therefore, this variant has been classified as Likely Pathogenic. Donor and acceptor splice site variants typically lead to a loss of protein function (PMID: 16199547), and loss-of-function variants in SMARCE1 are known to be pathogenic (PMID: 23377182). This variant has not been reported in the literature in individuals with SMARCE1-related conditions. This variant is not present in population databases (ExAC no frequency). This sequence change affects a donor splice site in intron 6 of the SMARCE1 gene. It is expected to disrupt RNA splicing and likely results in an absent or disrupted protein product.

Literature cited by the submitters: PubMed 16199547; PubMed 23377182.